The following is an entry in ClinVar:

ClinVar aggregate classification (germline): Uncertain significance. Review status: criteria provided, multiple submitters, no conflicts (2 of 4 stars). 6 submissions from 6 submitters: Uncertain significance (6). Last evaluated 2025-09-11.

Conditions:
Hereditary nonpolyposis colorectal neoplasms. Identifiers: MedGen C0009405, MeSH D003123.
Hereditary cancer-predisposing syndrome. Also called: Hereditary Cancer Syndrome; Hereditary neoplastic syndrome; Neoplastic Syndromes, Hereditary; Tumor predisposition. Identifiers: Orphanet 140162, MedGen C0027672, MeSH D009386, MONDO:0015356.
Lynch syndrome. Identifiers: Orphanet 144, MedGen C4552100, MONDO:0005835. Disease mechanism: loss of function.
Lynch syndrome 4 (LYNCH4). Also called: Colorectal cancer, hereditary nonpolyposis, type 4; Hereditary non-polyposis colorectal cancer, type 4. Identifiers: Orphanet 144, MedGen C1838333, MONDO:0013699, OMIM 614337. Disease mechanism: loss of function.

Submissions (6):

Color Diagnostics, LLC DBA Color Health
Classification: Uncertain significance for Hereditary cancer-predisposing syndrome. Last evaluated: 2025-09-11. Review status: criteria provided, single submitter. Criteria: ACMG Guidelines, 2015. Collection method: clinical testing. Allele origin: germline.
Comment: This missense variant replaces serine with cysteine at codon 416 of the PMS2 protein. Computational prediction suggests that this variant may not impact protein structure and function. To our knowledge, functional studies have not been reported for this variant. This variant has not been reported in individuals affected with PMS2-related disorders in the literature. This variant has not been identified in the general population by the Genome Aggregation Database (gnomAD). The available evidence is insufficient to determine the role of this variant in disease conclusively. Therefore, this variant is classified as a Variant of Uncertain Significance.

Labcorp Genetics (formerly Invitae), Labcorp
Classification: Uncertain significance for Hereditary nonpolyposis colorectal neoplasms. Last evaluated: 2024-06-11. Review status: criteria provided, single submitter. Criteria: Invitae Variant Classification Sherloc (09022015). Collection method: clinical testing. Allele origin: germline.
Comment: This sequence change replaces serine, which is neutral and polar, with cysteine, which is neutral and slightly polar, at codon 416 of the PMS2 protein (p.Ser416Cys). This variant is not present in population databases (gnomAD no frequency). This missense change has been observed in individual(s) with clinical features of PMS2-related conditions (Invitae). ClinVar contains an entry for this variant (Variation ID: 455646). Advanced modeling of protein sequence and biophysical properties (such as structural, functional, and spatial information, amino acid conservation, physicochemical variation, residue mobility, and thermodynamic stability) performed at Invitae indicates that this missense variant is expected to disrupt PMS2 protein function with a positive predictive value of 80%. In summary, the available evidence is currently insufficient to determine the role of this variant in disease. Therefore, it has been classified as a Variant of Uncertain Significance.

All of Us Research Program, National Institutes of Health
Classification: Uncertain significance for Lynch syndrome. Last evaluated: 2024-01-11. Review status: criteria provided, single submitter. Criteria: ACMG Guidelines, 2015. Collection method: clinical testing. Allele origin: germline. Inheritance: Autosomal dominant inheritance. Observed: 4 variant alleles, 4 heterozygotes.
Comment: This missense variant replaces serine with cysteine at codon 416 of the PMS2 protein. Computational prediction suggests that this variant may not impact protein structure and function (internally defined REVEL score threshold <= 0.5, PMID: 27666373). To our knowledge, functional studies have not been reported for this variant. This variant has not been reported in individuals affected with PMS2-related disorders in the literature. This variant has not been identified in the general population by the Genome Aggregation Database (gnomAD). The available evidence is insufficient to determine the role of this variant in disease conclusively. Therefore, this variant is classified as a Variant of Uncertain Significance.

This study involves interpretation of variants in research participants for the purpose of population health screening. Participant phenotype was not available at the time of variant classification. Additional details can be found in publication PMID: 35346344, PMCID: PMC8962531

GeneDx
Classification: Uncertain significance. Last evaluated: 2023-10-11. Review status: criteria provided, single submitter. Criteria: GeneDx Variant Classification Process June 2021. Collection method: clinical testing. Allele origin: germline. Affected: yes.
Comment: Not observed at significant frequency in large population cohorts (gnomAD); In silico analysis supports that this missense variant has a deleterious effect on protein structure/function; Identified in an individual with a personal history of a Lynch-related tumor and/or polyps who also harbored a pathogenic BRCA2 variant (Yurgelun et al., 2015); This variant is associated with the following publications: (PMID: 25980754)

Baylor Genetics
Classification: Uncertain significance for Lynch syndrome 4. Last evaluated: 2023-09-12. Review status: criteria provided, single submitter. Criteria: ACMG Guidelines, 2015. Collection method: clinical testing. Allele origin: unknown.

Ambry Genetics
Classification: Uncertain significance for Hereditary cancer-predisposing syndrome. Last evaluated: 2022-12-14. Review status: criteria provided, single submitter. Criteria: Ambry Variant Classification Scheme 2023. Collection method: clinical testing. Allele origin: germline.
Comment: The p.S416C variant (also known as c.1247C>G), located in coding exon 11 of the PMS2 gene, results from a C to G substitution at nucleotide position 1247. The serine at codon 416 is replaced by cysteine, an amino acid with dissimilar properties. This amino acid position is not well conserved in available vertebrate species. In addition, this alteration is predicted to be tolerated by in silico analysis. Since supporting evidence is limited at this time, the clinical significance of this alteration remains unclear.

NM_000535.7(PMS2):c.1247C>G (p.Ser416Cys)

Gene: PMS2 (PMS1 homolog 2, mismatch repair system component; minus strand). Cytogenetic location: 7p22.1.
Variant type: single nucleotide variant.
Coding change: c.1247C>G on transcript NM_000535.7 (MANE Select); coding-DNA position 1247, C replaced by G.
Protein change: p.Ser416Cys; replaces serine 416 with cysteine.
Molecular consequence: missense variant. On other transcripts: non-coding transcript variant (1).
Genome position (GRCh38, 1-based): chr7:5,987,518, G>C on the plus strand (C>G on the coding strand, the complement: PMS2 is on the minus strand). VCF-style: chr7-5987518-G-C. GRCh37 (hg19) VCF-style: chr7-6027149-G-C.
Other names: c.842C>G, p.Ser281Cys (NM_001322003.2, NM_001322004.2, NM_001322005.2 and 1 more transcripts); c.1091C>G, p.Ser364Cys (NM_001322006.2); c.929C>G, p.Ser310Cys (NM_001322007.2, NM_001322008.2); c.686C>G, p.Ser229Cys (NM_001322010.2); c.314C>G, p.Ser105Cys (NM_001322011.2, NM_001322012.2); c.674C>G, p.Ser225Cys (NM_001322013.2); c.1247C>G, p.Ser416Cys (NM_001322014.2); c.938C>G, p.Ser313Cys (NM_001322015.2); short protein forms S416C, S281C, S229C, S313C, S105C, S310C, S225C, S364C.
Identifiers: ClinVar variation 455646 (VCV000455646.17), dbSNP rs1554297981, ClinGen allele CA366742485.
Genomic context (GRCh38, chr7:5,987,518, plus strand): 5'-CTGTGAGGCTTGTTCTCTGTTGTGTGACGAAGAGAAAAGGCCTCTCGCAGTCTGGAAATG[G>C]ACACGTCTTTTTTTTCTTCTCCAGTCCTTAATGAAGGGGATTGATCCTGCTTTTCTACCA-3'
Protein context (NP_000526.2, residues 406-426): LRTGEEKKDV[Ser416Cys]ISRLREAFSL